The following is an entry in ClinVar:

ClinVar aggregate classification (germline): Uncertain significance (1 of 4 stars; one submission).

Conditions:
RYR1-related disorder. Also called: RYR1-related condition; RYR1-related disorders. Identifiers: MedGen CN239331.

Submission:

Labcorp Genetics (formerly Invitae), Labcorp
Classification: Uncertain significance for RYR1-related disorder. Last evaluated: 2022-06-09. Review status: criteria provided, single submitter. Criteria: Invitae Variant Classification Sherloc (09022015). Collection method: clinical testing. Allele origin: germline.
Comment: This sequence change replaces proline, which is neutral and non-polar, with arginine, which is basic and polar, at codon 4466 of the RYR1 protein (p.Pro4466Arg). In summary, the available evidence is currently insufficient to determine the role of this variant in disease. Therefore, it has been classified as a Variant of Uncertain Significance. Advanced modeling of protein sequence and biophysical properties (such as structural, functional, and spatial information, amino acid conservation, physicochemical variation, residue mobility, and thermodynamic stability) performed at Invitae indicates that this missense variant is not expected to disrupt RYR1 protein function. This variant has not been reported in the literature in individuals affected with RYR1-related conditions. This variant is not present in population databases (gnomAD no frequency).

NM_000540.3(RYR1):c.13397C>G (p.Pro4466Arg)

Gene: RYR1 (ryanodine receptor 1; plus strand). Cytogenetic location: 19q13.2.
Variant type: single nucleotide variant.
Coding change: c.13397C>G on transcript NM_000540.3 (MANE Select); coding-DNA position 13397, C replaced by G.
Protein change: p.Pro4466Arg; replaces proline 4466 with arginine.
Molecular consequence: missense variant.
Genome position (GRCh38, 1-based): chr19:38,565,731, C>G. VCF-style: chr19-38565731-C-G. GRCh37 (hg19) VCF-style: chr19-39056371-C-G.
Other names: c.13382C>G, p.Pro4461Arg (NM_001042723.2); short protein forms P4466R, P4461R.
Identifiers: ClinVar variation 2003989 (VCV002003989.4), dbSNP rs2514682329, ClinGen allele CA405675564.
Genomic context (GRCh38, chr19:38,565,731, plus strand): 5'-TCCGGCCCGAAGGGGCTGGCGGTCTCGGGGACATGGGGGACACGACGCCTGCGGAACCGC[C>G]CACACCCGAGGGCTCTCCCATCCTCAAGAGGAAATTGGGGGTGAGAGAGCAGGCGGGGTT-3'
Protein context (NP_000531.2, residues 4456-4476): DMGDTTPAEP[Pro4466Arg]TPEGSPILKR